The following is an entry in ClinVar:

NM_001363.5(DKC1):c.1334C>T (p.Ala445Val)

Gene: DKC1 (dyskerin pseudouridine synthase 1; plus strand). Cytogenetic location: Xq28.
Variant type: single nucleotide variant.
Coding change: c.1334C>T on transcript NM_001363.5 (MANE Select); coding-DNA position 1334, C replaced by T.
Protein change: p.Ala445Val; replaces alanine 445 with valine.
Molecular consequence: missense variant. On other transcripts: 3 prime UTR variant (1), non-coding transcript variant (3).
Genome position (GRCh38, 1-based): chrX:154,775,269, C>T. VCF-style: chrX-154775269-C-T. GRCh37 (hg19) VCF-style: chrX-154003544-C-T.
Other names: c.1319C>T, p.Ala440Val (NM_001142463.3); c.*560C>T (NM_001288747.2); short protein forms A445V, A440V.
Identifiers: ClinVar variation 858735 (VCV000858735.9), dbSNP rs782117503, ClinGen allele CA10567256.

ClinVar aggregate classification (germline): Uncertain significance (1 of 4 stars; one submission).

Conditions:
Dyskeratosis congenita. Identifiers: Orphanet 1775, MedGen C0265965, MONDO:0015780.

Allele frequency attached by ClinVar (database versions not stated): gnomAD 0.00001; ExAC 0.00002; gnomAD exomes 0.00002 and 0.00003; TOPMed 0.00002.
gnomAD v4.1: 19 of 1,208,135 alleles (0.0016%); highest among the groups gnomAD compares: Admixed American, 0.013%; no homozygotes.

Submission:

Labcorp Genetics (formerly Invitae), Labcorp
Classification: Uncertain significance for Dyskeratosis congenita. Last evaluated: 2024-10-29. Review status: criteria provided, single submitter. Criteria: Invitae Variant Classification Sherloc (09022015). Collection method: clinical testing. Allele origin: germline.
Comment: This sequence change replaces alanine, which is neutral and non-polar, with valine, which is neutral and non-polar, at codon 445 of the DKC1 protein (p.Ala445Val). This variant is present in population databases (rs782117503, gnomAD 0.02%). This variant has not been reported in the literature in individuals affected with DKC1-related conditions. ClinVar contains an entry for this variant (Variation ID: 858735). Invitae Evidence Modeling of protein sequence and biophysical properties (such as structural, functional, and spatial information, amino acid conservation, physicochemical variation, residue mobility, and thermodynamic stability) indicates that this missense variant is not expected to disrupt DKC1 protein function with a negative predictive value of 80%. In summary, the available evidence is currently insufficient to determine the role of this variant in disease. Therefore, it has been classified as a Variant of Uncertain Significance.